The following is an entry in ClinVar:

NM_001127464.1:c.11080G>A

Gene: ZNF469 (zinc finger protein 469; plus strand).
Variant type: single nucleotide variant.
Identifiers: ClinVar variation 4083212 (VCV004083212.1).

ClinVar aggregate classification (germline): Uncertain significance (1 of 4 stars; one submission).

Submission:

GeneDx
Classification: Uncertain significance. Last evaluated: 2025-03-11. Review status: criteria provided, single submitter. Criteria: GeneDx Variant Classification Process June 2021. Collection method: clinical testing. Allele origin: germline. Affected: yes.
Comment: In silico analysis indicates that this missense variant does not alter protein structure/function; Has not been previously published as pathogenic or benign to our knowledge